The following is an entry in ClinVar:

ClinVar aggregate classification (germline): Uncertain significance (1 of 4 stars; one submission).

Conditions:
Osteogenesis imperfecta type I (OI1). Also called: Lobstein disease; OI, TYPE I; OSTEOGENESIS IMPERFECTA TARDA; OSTEOGENESIS IMPERFECTA WITH BLUE SCLERAE; Osteogenesis imperfecta type 1; Lobstein's Disease. Identifiers: Orphanet 216796, Orphanet 666, MedGen C0023931, MONDO:0008146, OMIM 166200. Disease mechanism: loss of function.
Ehlers-Danlos syndrome, classic type, 1 (EDSCL1). Also called: EDS I; EHLERS-DANLOS SYNDROME, GRAVIS TYPE; EHLERS-DANLOS SYNDROME, SEVERE CLASSIC TYPE; Ehlers-Danlos syndrome, type 1; Ehlers-Danlos Syndrome, Classic Type, COL5A1-Related. Identifiers: MedGen C0268335, MONDO:0019567, OMIM 130000.

Allele frequency attached by ClinVar (database versions not stated): TOPMed below 0.00001.

Submission:

Labcorp Genetics (formerly Invitae), Labcorp
Classification: Uncertain significance for Osteogenesis imperfecta type I; Ehlers-Danlos syndrome, classic type, 1. Last evaluated: 2023-11-11. Review status: criteria provided, single submitter. Criteria: Invitae Variant Classification Sherloc (09022015). Collection method: clinical testing. Allele origin: germline.
Comment: This sequence change replaces glutamine, which is neutral and polar, with histidine, which is basic and polar, at codon 1083 of the COL1A2 protein (p.Gln1083His). This variant is not present in population databases (gnomAD no frequency). This variant has not been reported in the literature in individuals affected with COL1A2-related conditions. Advanced modeling of protein sequence and biophysical properties (such as structural, functional, and spatial information, amino acid conservation, physicochemical variation, residue mobility, and thermodynamic stability) performed at Invitae indicates that this missense variant is not expected to disrupt COL1A2 protein function with a negative predictive value of 95%. In summary, the available evidence is currently insufficient to determine the role of this variant in disease. Therefore, it has been classified as a Variant of Uncertain Significance.

NM_000089.4(COL1A2):c.3249G>T (p.Gln1083His)

Gene: COL1A2 (collagen type I alpha 2 chain; plus strand). Cytogenetic location: 7q21.3.
Variant type: single nucleotide variant.
Coding change: c.3249G>T on transcript NM_000089.4 (MANE Select); coding-DNA position 3249, G replaced by T.
Protein change: p.Gln1083His; replaces glutamine 1083 with histidine.
Molecular consequence: missense variant.
Genome position (GRCh38, 1-based): chr7:94,427,277, G>T. VCF-style: chr7-94427277-G-T. GRCh37 (hg19) VCF-style: chr7-94056589-G-T.
Other names: short protein forms Q1083H.
Identifiers: ClinVar variation 2953009 (VCV002953009.3), dbSNP rs1792298653, ClinGen allele CA368225574.
Genomic context (GRCh38, chr7:94,427,277, plus strand): 5'-AAAAGATGGTCGCACTGGACATCCTGGTACAGTTGGACCTGCTGGCATTCGAGGCCCTCA[G>T]GGTCACCAAGGCCCTGCTGTAAGTATGATTTGGGGAAATAATAAAGAAGATCACGGACCT-3'
Protein context (NP_000080.2, residues 1073-1093): TVGPAGIRGP[Gln1083His]GHQGPAGPPG